The following is an entry in ClinVar:

ClinVar aggregate classification (germline): Uncertain significance. Review status: criteria provided, multiple submitters, no conflicts (2 of 4 stars). 2 submissions from 2 submitters: Uncertain significance (2). Last evaluated 2025-12-03.

Conditions:
Cardiovascular phenotype. Identifiers: MedGen CN230736.

Allele frequency attached by ClinVar (database versions not stated): gnomAD exomes below 0.00001.
gnomAD v4.1: 2 of 1,613,166 alleles (0.00012%); highest among the groups gnomAD compares: Non-Finnish European, 0.00017%; no homozygotes.

Submissions (2):

Ambry Genetics
Classification: Uncertain significance for Cardiovascular phenotype. Last evaluated: 2025-12-03. Review status: criteria provided, single submitter. Criteria: Ambry Variant Classification Scheme 2023. Collection method: clinical testing. Allele origin: germline.
Comment: The p.I1336L variant (also known as c.4006A>C), located in coding exon 32 of the ABCC9 gene, results from an A to C substitution at nucleotide position 4006. The isoleucine at codon 1336 is replaced by leucine, an amino acid with highly similar properties. This amino acid position is highly conserved in available vertebrate species. In addition, this alteration is predicted to be deleterious by in silico analysis. Based on the available evidence, the clinical significance of this variant remains unclear.

GeneDx
Classification: Uncertain significance. Last evaluated: 2022-09-14. Review status: criteria provided, single submitter. Criteria: GeneDx Variant Classification Process June 2021. Collection method: clinical testing. Allele origin: germline. Affected: yes.
Comment: Not observed at significant frequency in large population cohorts (gnomAD); In silico analysis supports that this missense variant does not alter protein structure/function; Has not been previously published as pathogenic or benign to our knowledge

NM_020297.4(ABCC9):c.4006A>C (p.Ile1336Leu)

Genes: ABCC9 (ATP binding cassette subfamily C member 9; minus strand), KCNJ8-AS1 (KCNJ8 antisense RNA 1; plus strand). Cytogenetic location: 12p12.1.
Variant type: single nucleotide variant.
Coding change: c.4006A>C on transcript NM_020297.4 (MANE Select); coding-DNA position 4006, A replaced by C.
Protein change: p.Ile1336Leu; replaces isoleucine 1336 with leucine.
Molecular consequence: missense variant.
Genome position (GRCh38, 1-based): chr12:21,815,780, T>G on the plus strand (A>C on the coding strand, the complement: ABCC9 is on the minus strand). VCF-style: chr12-21815780-T-G. GRCh37 (hg19) VCF-style: chr12-21968714-T-G.
Other names: c.4006A>C, p.Ile1336Leu (NM_001377273.1, NM_005691.4); c.3139A>C, p.Ile1047Leu (NM_001377274.1); short protein forms I1047L, I1336L.
Identifiers: ClinVar variation 2444562 (VCV002444562.2), dbSNP rs2540864339, ClinGen allele CA384136087.
Genomic context (GRCh38, chr12:21,815,780, plus strand): 5'-GAGGTTTTATGTATACAACATATCAAATGCAGTGATTTCATACCTTTTGTCCAGGTTTGA[T>G]GTAAGCCTTGACGTGCTTAAGAACAGGTTTCAGATTATTTTCATATCTGACACACAGATC-3'
Protein context (NP_064693.2, residues 1326-1346): KPVLKHVKAY[Ile1336Leu]KPGQKVGICG